The following is an entry in ClinVar:

NM_001277115.2(DNAH11):c.1973+6T>C

Gene: DNAH11 (dynein axonemal heavy chain 11; plus strand). Cytogenetic location: 7p15.3.
Variant type: single nucleotide variant.
Coding change: c.1973+6T>C on transcript NM_001277115.2 (MANE Select); 6 bases into the intron after coding-DNA position 1973, T replaced by C.
Molecular consequence: intron variant.
Genome position (GRCh38, 1-based): chr7:21,588,642, T>C. VCF-style: chr7-21588642-T-C. GRCh37 (hg19) VCF-style: chr7-21628260-T-C.
Identifiers: ClinVar variation 658168 (VCV000658168.6), dbSNP rs774830486, ClinGen allele CA4179167.

ClinVar aggregate classification (germline): Uncertain significance (1 of 4 stars; one submission).

Conditions:
Primary ciliary dyskinesia. Also called: Ciliary dyskinesia. Identifiers: Orphanet 244, MedGen C0008780, MONDO:0016575, HP:0012265.

Allele frequency attached by ClinVar (database versions not stated): gnomAD exomes below 0.00001 and 0.00003; ExAC 0.00004; gnomAD 0.00001; TOPMed 0.00001.
gnomAD v4.1: 10 of 1,612,316 alleles (0.00062%); highest among the groups gnomAD compares: African/African-American, 0.0053%; no homozygotes.

Submission:

Labcorp Genetics (formerly Invitae), Labcorp
Classification: Uncertain significance for Primary ciliary dyskinesia. Last evaluated: 2024-10-10. Review status: criteria provided, single submitter. Criteria: Invitae Variant Classification Sherloc (09022015). Collection method: clinical testing. Allele origin: germline.
Comment: This sequence change falls in intron 11 of the DNAH11 gene. It does not directly change the encoded amino acid sequence of the DNAH11 protein. It affects a nucleotide within the consensus splice site. This variant is present in population databases (rs774830486, gnomAD 0.03%). This variant has not been reported in the literature in individuals affected with DNAH11-related conditions. ClinVar contains an entry for this variant (Variation ID: 658168). Variants that disrupt the consensus splice site are a relatively common cause of aberrant splicing (PMID: 17576681, 9536098). Algorithms developed to predict the effect of sequence changes on RNA splicing suggest that this variant may disrupt the consensus splice site. In summary, the available evidence is currently insufficient to determine the role of this variant in disease. Therefore, it has been classified as a Variant of Uncertain Significance.

Literature cited by the submitters: PubMed 17576681; PubMed 9536098.